The following is an entry in ClinVar:

NM_000060.4:c.1493T>A

Variant type: single nucleotide variant.
Other names: c.1493T>A (NM_000060.4).
Identifiers: ClinVar variation 4815984 (VCV004815984.1).

ClinVar aggregate classification (germline): Likely pathogenic (1 of 4 stars; one submission).

Conditions:
Biotinidase deficiency. Also called: BTD deficiency; Late-onset biotin-responsive multiple carboxylase deficiency; Biotin deficiency. Identifiers: Orphanet 79241, MedGen C0220754, MONDO:0009665, OMIM 253260.

Submission:

Natera, Inc.
Classification: Likely pathogenic for Biotinidase deficiency. Last evaluated: 2025-06-26. Review status: criteria provided, single submitter. Criteria: Natera Variant Classification Schema (03/2026). Collection method: clinical testing. Allele origin: germline.
Comment: The c.1493T>A variant in BTD is a nonsense variant predicted to introduce a stop codon at amino acid 498. This variant is expected to result in nonsense mediated decay, truncation, or a dysfunctional protein product. This variant is rare in the general population with a frequency below the threshold expected for the associated phenotype(s). Given the available evidence, this variant is classified as Likely Pathogenic.